The following is an entry in ClinVar:

ClinVar aggregate classification (germline): Uncertain significance (1 of 4 stars; one submission).

Submission:

Labcorp Genetics (formerly Invitae), Labcorp
Classification: Uncertain significance. Last evaluated: 2025-12-06. Review status: criteria provided, single submitter. Criteria: Invitae Variant Classification Sherloc (09022015). Collection method: clinical testing. Allele origin: germline.
Comment: This sequence change replaces phenylalanine, which is neutral and non-polar, with leucine, which is neutral and non-polar, at codon 97 of the WNT1 protein (p.Phe97Leu). This variant is present in population databases (rs745442968, gnomAD 0.05%). This variant has not been reported in the literature in individuals affected with WNT1-related conditions. Invitae Evidence Modeling of protein sequence and biophysical properties (such as structural, functional, and spatial information, amino acid conservation, physicochemical variation, residue mobility, and thermodynamic stability) indicates that this missense variant is not expected to disrupt WNT1 protein function with a negative predictive value of 80%. In summary, the available evidence is currently insufficient to determine the role of this variant in disease. Therefore, it has been classified as a Variant of Uncertain Significance.

NM_005430.4(WNT1):c.291C>A (p.Phe97Leu)

Gene: WNT1 (Wnt family member 1; plus strand). Cytogenetic location: 12q13.12.
Variant type: single nucleotide variant.
Coding change: c.291C>A on transcript NM_005430.4 (MANE Select); coding-DNA position 291, C replaced by A.
Protein change: p.Phe97Leu; replaces phenylalanine 97 with leucine.
Molecular consequence: missense variant.
Genome position (GRCh38, 1-based): chr12:48,979,654, C>A. VCF-style: chr12-48979654-C-A. GRCh37 (hg19) VCF-style: chr12-49373437-C-A.
Other names: short protein forms F97L.
Identifiers: ClinVar variation 4702050 (VCV004702050.1).